The following is an entry in ClinVar:

ClinVar aggregate classification (germline): Uncertain significance (1 of 4 stars; one submission).

Conditions:
FGFR2-related craniosynostosis. Identifiers: MedGen CN231480.

Allele frequency attached by ClinVar (database versions not stated): gnomAD exomes below 0.00001; ExAC 0.00001.
gnomAD v4.1: 2 of 1,614,086 alleles (0.00012%); highest among the groups gnomAD compares: Non-Finnish European, 0.00017%; no homozygotes.

Submission:

Labcorp Genetics (formerly Invitae), Labcorp
Classification: Uncertain significance for FGFR2-related craniosynostosis. Last evaluated: 2024-11-08. Review status: criteria provided, single submitter. Criteria: Invitae Variant Classification Sherloc (09022015). Collection method: clinical testing. Allele origin: germline.
Comment: This sequence change replaces proline, which is neutral and non-polar, with leucine, which is neutral and non-polar, at codon 81 of the FGFR2 protein (p.Pro81Leu). This variant is present in population databases (rs753179677, gnomAD 0.003%). This variant has not been reported in the literature in individuals affected with FGFR2-related conditions. ClinVar contains an entry for this variant (Variation ID: 2046920). Invitae Evidence Modeling of protein sequence and biophysical properties (such as structural, functional, and spatial information, amino acid conservation, physicochemical variation, residue mobility, and thermodynamic stability) indicates that this missense variant is not expected to disrupt FGFR2 protein function with a negative predictive value of 80%. In summary, the available evidence is currently insufficient to determine the role of this variant in disease. Therefore, it has been classified as a Variant of Uncertain Significance.

NM_000141.5(FGFR2):c.242C>T (p.Pro81Leu)

Gene: FGFR2 (fibroblast growth factor receptor 2; minus strand). Cytogenetic location: 10q26.13.
Variant type: single nucleotide variant.
Coding change: c.242C>T on transcript NM_000141.5 (MANE Select); coding-DNA position 242, C replaced by T.
Protein change: p.Pro81Leu; replaces proline 81 with leucine.
Molecular consequence: missense variant. On other transcripts: intron variant (9).
Genome position (GRCh38, 1-based): chr10:121,565,572, G>A on the plus strand (C>T on the coding strand, the complement: FGFR2 is on the minus strand). VCF-style: chr10-121565572-G-A. GRCh37 (hg19) VCF-style: chr10-123325086-G-A.
Other names: c.242C>T, p.Pro81Leu (NM_001144913.1, NM_001144914.1, NM_001144917.2 and 3 more transcripts); c.110-14113C>T (NM_001144918.2, NM_001441091.1, NM_001441090.1 and 1 more transcripts); c.110-993C>T (NM_001441089.1, NM_023029.3, NM_001441088.1 and 2 more transcripts); short protein forms P81L.
Identifiers: ClinVar variation 2046920 (VCV002046920.4), dbSNP rs753179677, ClinGen allele CA5721188.
Genomic context (GRCh38, chr10:121,565,572, plus strand): 5'-TCTCTAGGCGTGGCGCCCTTTATCTGCAAGTACTCCCCAATAAGCACTGTCCTATTGTTG[G>A]GCCCCAAGTGCACCCCATCCTTAGTCCAACTGATCACGGCGGCATCTTTCAACAGGCAGC-3'
Protein context (NP_000132.3, residues 71-91): SWTKDGVHLG[Pro81Leu]NNRTVLIGEY